The following is an entry in ClinVar:

ClinVar aggregate classification (germline): Uncertain significance (1 of 4 stars; one submission).

Conditions:
Amyotrophic lateral sclerosis-parkinsonism-dementia complex. Also called: AMYOTROPHIC LATERAL SCLEROSIS-PARKINSONISM/DEMENTIA COMPLEX 1; GUAM DISEASE. Identifiers: Orphanet 90020, MedGen C0543859, MONDO:0007104, OMIM 105500.

gnomAD v4.1: 10 of 1,614,192 alleles (0.00062%); highest among the groups gnomAD compares: South Asian, 0.011%; no homozygotes.

Submission:

Neuberg Centre For Genomic Medicine, NCGM
Classification: Uncertain significance for Amyotrophic lateral sclerosis-parkinsonism-dementia complex. Last evaluated: 2023-05-20. Review status: criteria provided, single submitter. Criteria: ACMG Guidelines, 2015. Collection method: clinical testing. Allele origin: germline. Inheritance: Autosomal dominant inheritance. Affected: yes.
Comment: The observed missense variant c.3868A>C(p.Lys1290Gln) in the TRPM7 gene has not been reported previously as a pathogenic variant nor as a benign variant, to our knowledge. This variant is reported with the allele frequency 0.002% in the gnomAD Exomes. The amino acid Lysine at position 1290 is changed to a Glutamine changing protein sequence and it might alter its composition and physico-chemical properties. Multiple lines of computational evidence (Polyphen - Possible Damaging) predict a damaging effect on protein structure and function for this variant. The residue is conserved by GERP++ and PhyloP across 100 vertebrates. For these reasons, this variant has been classified as Uncertain Significance.

NM_017672.6(TRPM7):c.3868A>C (p.Lys1290Gln)

Genes: TRPM7 (transient receptor potential cation channel subfamily M member 7; minus strand), LOC126862130 (BRD4-independent group 4 enhancer GRCh37_chr15:50884350-50885549; plus strand). Cytogenetic location: 15q21.2.
Variant type: single nucleotide variant.
Coding change: c.3868A>C on transcript NM_017672.6 (MANE Select); coding-DNA position 3868, A replaced by C.
Protein change: p.Lys1290Gln; replaces lysine 1290 with glutamine.
Molecular consequence: missense variant. On other transcripts: non-coding transcript variant (3).
Genome position (GRCh38, 1-based): chr15:50,592,367, T>G on the plus strand (A>C on the coding strand, the complement: TRPM7 is on the minus strand). VCF-style: chr15-50592367-T-G. GRCh37 (hg19) VCF-style: chr15-50884564-T-G.
Other names: c.3868A>C, p.Lys1290Gln (NM_001301212.2); short protein forms K1290Q.
Identifiers: ClinVar variation 3367048 (VCV003367048.1).